The following is an entry in ClinVar:

NM_001374259.2(IL12RB2):c.80C>T (p.Ala27Val)

Gene: IL12RB2 (interleukin 12 receptor subunit beta 2; plus strand). Cytogenetic location: 1p31.3.
Variant type: single nucleotide variant.
Coding change: c.80C>T on transcript NM_001374259.2 (MANE Select); coding-DNA position 80, C replaced by T.
Protein change: p.Ala27Val; replaces alanine 27 with valine.
Molecular consequence: missense variant. On other transcripts: non-coding transcript variant (2).
Genome position (GRCh38, 1-based): chr1:67,321,605, C>T. VCF-style: chr1-67321605-C-T. GRCh37 (hg19) VCF-style: chr1-67787288-C-T.
Other names: c.80C>T, p.Ala27Val (NM_001258214.1, NM_001258215.1, NM_001258216.1 and 2 more transcripts); short protein forms A27V.
Identifiers: ClinVar variation 1918323 (VCV001918323.5), dbSNP rs746456201, ClinGen allele CA900109.

ClinVar aggregate classification (germline): Uncertain significance (1 of 4 stars; one submission).

Allele frequency attached by ClinVar (database versions not stated): ExAC 0.00002.
gnomAD v4.1: 11 of 1,588,844 alleles (0.00069%); highest among the groups gnomAD compares: Admixed American, 0.005%; no homozygotes.

Submission:

Labcorp Genetics (formerly Invitae), Labcorp
Classification: Uncertain significance. Last evaluated: 2024-05-24. Review status: criteria provided, single submitter. Criteria: Invitae Variant Classification Sherloc (09022015). Collection method: clinical testing. Allele origin: germline.
Comment: This sequence change replaces alanine, which is neutral and non-polar, with valine, which is neutral and non-polar, at codon 27 of the IL12RB2 protein (p.Ala27Val). This variant is present in population databases (rs746456201, gnomAD 0.02%). This variant has not been reported in the literature in individuals affected with IL12RB2-related conditions. ClinVar contains an entry for this variant (Variation ID: 1918323). Algorithms developed to predict the effect of missense changes on protein structure and function output the following: SIFT: "Not Available"; PolyPhen-2: "Benign"; Align-GVGD: "Not Available". The valine amino acid residue is found in multiple mammalian species, which suggests that this missense change does not adversely affect protein function. In summary, the available evidence is currently insufficient to determine the role of this variant in disease. Therefore, it has been classified as a Variant of Uncertain Significance.